The following is an entry in ClinVar:

ClinVar aggregate classification (germline): Likely pathogenic (1 of 4 stars; one submission).

Conditions:
Radioulnar synostosis with amegakaryocytic thrombocytopenia 2 (RUSAT2). Also called: RADIOULNAR SYNOSTOSIS AND AMEGAKARYOCYTIC THROMBOCYTOPENIA 2. Identifiers: Orphanet 71289, MedGen C4225221, MONDO:0014758, OMIM 616738.

Submission:

3billion
Classification: Likely pathogenic for Radioulnar synostosis with amegakaryocytic thrombocytopenia 2. Last evaluated: 2023-10-09. Review status: criteria provided, single submitter. Criteria: ACMG Guidelines, 2015. Collection method: clinical testing. Allele origin: germline. Affected: yes.
Comment: The variant is not observed in the gnomAD v2.1.1 dataset. Predicted Consequence/Location: Missense variant The same nucleotide change resulting in the same amino acid change (PMID: 29519864) and a different missense change at the same codon (p.Pro948Ser / PMID: 29540340) have been previously reported to be associated with MECOM related disorders.The variant has been previously reported as de novo in a similarly affected individual (PMID: 29519864). Therefore, this variant is classified as Likely pathogenic according to the recommendation of ACMG/AMP guideline.

Literature cited by the submitters: PubMed 29540340; PubMed 29519864.

NM_004991.4(MECOM):c.2842C>G (p.Pro948Ala)

Gene: MECOM (MDS1 and EVI1 complex locus; minus strand). Cytogenetic location: 3q26.2.
Variant type: single nucleotide variant.
Coding change: c.2842C>G on transcript NM_004991.4 (MANE Select); coding-DNA position 2842, C replaced by G.
Protein change: p.Pro948Ala; replaces proline 948 with alanine.
Molecular consequence: missense variant.
Genome position (GRCh38, 1-based): chr3:169,100,892, G>C on the plus strand (C>G on the coding strand, the complement: MECOM is on the minus strand). VCF-style: chr3-169100892-G-C. GRCh37 (hg19) VCF-style: chr3-168818680-G-C.
Other names: c.2473C>G, p.Pro825Ala (NM_001105077.4); c.2278C>G, p.Pro760Ala (NM_001105078.4, NM_001205194.2, NM_001366469.2 and 1 more transcripts); c.2254C>G, p.Pro752Ala (NM_001163999.2, NM_001366470.2); c.2251C>G, p.Pro751Ala (NM_001164000.2, NM_001366471.2, NM_001366472.2); c.2815C>G, p.Pro939Ala (NM_001366466.2); c.2281C>G, p.Pro761Ala (NM_001366467.2, NM_001366468.2); c.1843C>G, p.Pro615Ala (NM_001366473.2); c.1279C>G, p.Pro427Ala (NM_001366474.2); short protein forms P427A, P615A, P751A, P752A, P760A, P761A, P825A, P939A.
Identifiers: ClinVar variation 3775584 (VCV003775584.1).